The following is an entry in ClinVar:

NM_015631.6(TCTN3):c.329A>G (p.Tyr110Cys)

Gene: TCTN3 (tectonic family member 3; minus strand). Cytogenetic location: 10q24.1.
Variant type: single nucleotide variant.
Coding change: c.329A>G on transcript NM_015631.6 (MANE Select); coding-DNA position 329, A replaced by G.
Protein change: p.Tyr110Cys; replaces tyrosine 110 with cysteine.
Molecular consequence: missense variant.
Genome position (GRCh38, 1-based): chr10:95,693,404, T>C on the plus strand (A>G on the coding strand, the complement: TCTN3 is on the minus strand). VCF-style: chr10-95693404-T-C. GRCh37 (hg19) VCF-style: chr10-97453161-T-C.
Other names: c.329A>G, p.Tyr110Cys (NM_001143973.2); short protein forms Y110C.
Identifiers: ClinVar variation 1311313 (VCV001311313.2), dbSNP rs540170964, ClinGen allele CA5621182.

ClinVar aggregate classification (germline): Uncertain significance (1 of 4 stars; one submission).

Allele frequency attached by ClinVar (database versions not stated): gnomAD 0.00001 and 0.00003; gnomAD exomes 0.00002 and 0.00004; TOPMed 0.00002; ExAC 0.00005; 1000 Genomes Project 30x 0.00016; 1000 Genomes Project 0.00020.
gnomAD v4.1: 28 of 1,551,944 alleles (0.0018%); highest among the groups gnomAD compares: East Asian, 0.032%; 1 homozygote.

Submission:

GeneDx
Classification: Uncertain significance. Last evaluated: 2019-12-17. Review status: criteria provided, single submitter. Criteria: GeneDx Variant Classification Process June 2021. Collection method: clinical testing. Allele origin: germline. Affected: yes.
Comment: In silico analysis, which includes protein predictors and evolutionary conservation, supports that this variant does not alter protein structure/function; Has not been previously published as pathogenic or benign to our knowledge